The following is an entry in ClinVar:

NM_001042424.3(NSD2):c.452T>C (p.Val151Ala)

Gene: NSD2 (nuclear receptor binding SET domain protein 2; plus strand). Cytogenetic location: 4p16.3.
Variant type: single nucleotide variant.
Coding change: c.452T>C on transcript NM_001042424.3 (MANE Select); coding-DNA position 452, T replaced by C.
Protein change: p.Val151Ala; replaces valine 151 with alanine.
Molecular consequence: missense variant.
Genome position (GRCh38, 1-based): chr4:1,901,106, T>C. VCF-style: chr4-1901106-T-C. GRCh37 (hg19) VCF-style: chr4-1902833-T-C.
Other names: c.452T>C, p.Val151Ala (NM_007331.2, NM_133330.3, NM_133331.3 and 2 more transcripts); short protein forms V151A.
Identifiers: ClinVar variation 2993697 (VCV002993697.3), dbSNP rs754468750, ClinGen allele CA2811876.
Genomic context (GRCh38, chr4:1,901,106, plus strand): 5'-CATACATGAATGGGAAGCCTCTCTTTGAATCTTCCATTTGTGGTGACAGTGCTGCTGATG[T>C]GTCTCAGTCAGAAGAAAATGGACAAAAACCAGAAAACAAGGCGAGAAGGAACAGGAAGAG-3'
Protein context (NP_001035889.1, residues 141-161): SSICGDSAAD[Val151Ala]SQSEENGQKP

ClinVar aggregate classification (germline): Uncertain significance (1 of 4 stars; one submission).

Allele frequency attached by ClinVar (database versions not stated): gnomAD 0.00002; ExAC 0.00003; TOPMed 0.00003; gnomAD exomes 0.00004.
gnomAD v4.1: 55 of 1,614,074 alleles (0.0034%); highest among the groups gnomAD compares: Admixed American, 0.005%; no homozygotes.

Submission:

Labcorp Genetics (formerly Invitae), Labcorp
Classification: Uncertain significance. Last evaluated: 2023-02-01. Review status: criteria provided, single submitter. Criteria: Invitae Variant Classification Sherloc (09022015). Collection method: clinical testing. Allele origin: germline.
Comment: This sequence change replaces valine, which is neutral and non-polar, with alanine, which is neutral and non-polar, at codon 151 of the WHSC1 protein (p.Val151Ala). This variant is present in population databases (rs754468750, gnomAD 0.006%). This variant has not been reported in the literature in individuals affected with WHSC1-related conditions. Algorithms developed to predict the effect of missense changes on protein structure and function output the following: SIFT: "Deleterious"; PolyPhen-2: "Benign"; Align-GVGD: "Class C55". The alanine amino acid residue is found in multiple mammalian species, which suggests that this missense change does not adversely affect protein function. In summary, the available evidence is currently insufficient to determine the role of this variant in disease. Therefore, it has been classified as a Variant of Uncertain Significance.